The following is an entry in ClinVar:

ClinVar aggregate classification (germline): Uncertain significance (1 of 4 stars; one submission).

Allele frequency attached by ClinVar (database versions not stated): gnomAD exomes below 0.00001.
gnomAD v4.1: 3 of 1,511,878 alleles (0.0002%); highest among the groups gnomAD compares: South Asian, 0.0012%; no homozygotes.

Submission:

Labcorp Genetics (formerly Invitae), Labcorp
Classification: Uncertain significance. Last evaluated: 2023-06-10. Review status: criteria provided, single submitter. Criteria: Invitae Variant Classification Sherloc (09022015). Collection method: clinical testing. Allele origin: germline.
Comment: In summary, the available evidence is currently insufficient to determine the role of this variant in disease. Therefore, it has been classified as a Variant of Uncertain Significance. Advanced modeling of protein sequence and biophysical properties (such as structural, functional, and spatial information, amino acid conservation, physicochemical variation, residue mobility, and thermodynamic stability) performed at Invitae indicates that this missense variant is not expected to disrupt LEMD3 protein function. ClinVar contains an entry for this variant (Variation ID: 2065080). This variant has not been reported in the literature in individuals affected with LEMD3-related conditions. This variant is not present in population databases (gnomAD no frequency). This sequence change replaces alanine, which is neutral and non-polar, with valine, which is neutral and non-polar, at codon 154 of the LEMD3 protein (p.Ala154Val).

NM_014319.5(LEMD3):c.461C>T (p.Ala154Val)

Genes: LEMD3 (LEM domain containing 3; plus strand), LOC130008224 (ATAC-STARR-seq lymphoblastoid silent region 4630; plus strand). Cytogenetic location: 12q14.3.
Variant type: single nucleotide variant.
Coding change: c.461C>T on transcript NM_014319.5 (MANE Select); coding-DNA position 461, C replaced by T.
Protein change: p.Ala154Val; replaces alanine 154 with valine.
Molecular consequence: missense variant.
Genome position (GRCh38, 1-based): chr12:65,170,057, C>T. VCF-style: chr12-65170057-C-T. GRCh37 (hg19) VCF-style: chr12-65563837-C-T.
Other names: c.461C>T, p.Ala154Val (NM_001167614.2); short protein forms A154V.
Identifiers: ClinVar variation 2065080 (VCV002065080.4), dbSNP rs1868469379, ClinGen allele CA385673213.
Genomic context (GRCh38, chr12:65,170,057, plus strand): 5'-AAGTGCTGCTGGGCTTCAGCTCGGACGAGTCGGACGTGGAGGCCAGTCCCCGGGACCAGG[C>T]CGGCGGCGGCGGGAGGAAAGACCGGGCTTCGCTCCAGTACCGCGGGCTCAAAGCGCCGCC-3'
Protein context (NP_055134.2, residues 144-164): SDVEASPRDQ[Ala154Val]GGGGRKDRAS